The following is an entry in ClinVar:

NM_007144.3(PCGF2):c.907_911del (p.Pro303fs)

Genes: CISD3 (CDGSH iron sulfur domain 3; plus strand), PCGF2 (polycomb group ring finger 2; minus strand). Cytogenetic location: 17q12.
Variant type: Deletion.
Coding change: c.907_911del on transcript NM_007144.3 (MANE Select); coding-DNA positions 907 to 911, 5 bases deleted (CCTTC; older notation c.907_911delCCTTC).
Protein change: p.Pro303fs; shifts the reading frame from proline 303.
Molecular consequence: frameshift variant. On other transcripts: 3 prime UTR variant (1).
Genome position (GRCh38, 1-based): chr17:38,735,347-38,735,351, GAAGG deleted on the plus strand (CCTTC on the coding strand, the reverse complement: PCGF2 is on the minus strand); deleting any 5 consecutive bases within chr17:38,735,347-38,735,352 gives the same sequence; the c. name uses the placement nearest the transcript's 3' end. VCF-style (leftmost placement, unchanged base first): chr17-38735346-CGAAGG-C. GRCh37 (hg19) VCF-style: chr17-36891599-CGAAGG-C.
Other names: c.*1893_*1897del (NM_001136498.2); c.907_911del, p.Pro303fs (NM_001369614.1, NM_001369615.1); short protein forms P303fs.
Identifiers: ClinVar variation 3355605 (VCV003355605.1).
Genomic context (GRCh38, chr17:38,735,346, plus strand): 5'-TGGTGTCTGCAGGCAGTTCAAGCTACCCCCGTTGGCAGCTGTGGTGGCCCCACTGGCTGT[CGAAGG>C]GGGAGTGGGGGAGGTAGGGTGGGTGGCTGGAGGCCCATGGGAACTGGGAGAGCCATGGGA-3'

ClinVar aggregate classification (germline): Uncertain significance (0 of 4 stars; one submission).

Conditions:
PCGF2-related disorder. Also called: PCGF2-related condition.

Submission:

PreventionGenetics, part of Exact Sciences
Classification: Uncertain significance for PCGF2-related condition. Last evaluated: 2024-08-07. Review status: no assertion criteria provided. Collection method: clinical testing. Allele origin: germline.
Comment: The PCGF2 c.907_911del5 variant is predicted to result in a frameshift and premature protein termination (p.Pro303Aspfs*13). This variant resides in the final exon of this gene, and it is unclear if the resulting mRNA would undergo nonsense-mediated decay. To our knowledge, this variant has not been reported in the literature or in a large population database, indicating this variant is rare. Loss of function is not an established mechanism of PCGF2-related disease. At this time, the clinical significance of this variant is uncertain due to the absence of conclusive functional and genetic evidence.